The following is an entry in ClinVar:

NM_004612.4(TGFBR1):c.154G>C (p.Gly52Arg)

Gene: TGFBR1 (transforming growth factor beta receptor 1; plus strand). Cytogenetic location: 9q22.33.
Variant type: single nucleotide variant.
Coding change: c.154G>C on transcript NM_004612.4 (MANE Select); coding-DNA position 154, G replaced by C.
Protein change: p.Gly52Arg; replaces glycine 52 with arginine.
Molecular consequence: missense variant.
Genome position (GRCh38, 1-based): chr9:99,128,911, G>C. VCF-style: chr9-99128911-G-C. GRCh37 (hg19) VCF-style: chr9-101891193-G-C.
Other names: c.154G>C, p.Gly52Arg (NM_001130916.3, NM_001306210.2); short protein forms G52R.
Identifiers: ClinVar variation 29916 (VCV000029916.6), dbSNP rs587776865, ClinGen allele CA008785.

ClinVar aggregate classification (germline): Conflicting classifications of pathogenicity. Review status: criteria provided, conflicting classifications (1 of 4 stars). 3 submissions from 3 submitters: Pathogenic (1); Uncertain significance (1). 1 of the submissions does not count toward it. Last evaluated 2019-10-02.

Conditions:
TGFBR1-related disorder. Also called: TGFBR1-related condition.
Familial thoracic aortic aneurysm and aortic dissection (TAAD). Also called: Thoracic aortic aneurysms and dissections. Identifiers: Orphanet 91387, MedGen C4707243, MONDO:0019625.
Multiple self-healing squamous epithelioma (MSSE). Also called: MULTIPLE SELF-HEALING SQUAMOUS EPITHELIOMA, SUSCEPTIBILITY TO. Identifiers: Orphanet 65748, MedGen C0546476, MONDO:0007566, OMIM 132800.

Allele frequency attached by ClinVar (database versions not stated): gnomAD exomes below 0.00001.
gnomAD v4.1: 2 of 1,613,852 alleles (0.00012%); highest among the groups gnomAD compares: Non-Finnish European, 0.00017%; no homozygotes.

Submissions (3):

Blueprint Genetics
Classification: Pathogenic for TGFBR1-related disorders. Last evaluated: 2019-10-02. Review status: criteria provided, single submitter. Criteria: ACMG Guidelines, 2015. Collection method: clinical testing. Allele origin: germline. Affected: yes. Observed: 3 variant alleles.

Color Diagnostics, LLC DBA Color Health
Classification: Uncertain significance for Familial thoracic aortic aneurysm and aortic dissection. Last evaluated: 2019-08-20. Review status: criteria provided, single submitter. Criteria: ACMG Guidelines, 2015. Collection method: clinical testing. Allele origin: germline.
Comment: This missense variant replaces glycine with arginine at codon 52 of the TGFBR1 protein. Computational prediction tools and conservation analyses suggest that this variant may have deleterious impact on protein structure and function. Splice site prediction tools suggest that this variant may not impact RNA splicing. To our knowledge, functional studies have not been performed for this variant. This variant has not been reported in individuals affected with cardiovascular disorders in the literature. This variant has not been identified in the general population by the Genome Aggregation Database (gnomAD). The available evidence is insufficient to determine the role of this variant in disease conclusively. Therefore, this variant is classified as a Variant of Uncertain Significance.

OMIM
Classification: risk factor for MULTIPLE SELF-HEALING SQUAMOUS EPITHELIOMA, SUSCEPTIBILITY TO. Last evaluated: 2011-02-27. Review status: no assertion criteria provided. Collection method: literature only. Allele origin: unknown. Not counted in ClinVar's aggregate classification.

Literature cited by the submitters: PubMed 5173258 (cited by OMIM); PubMed 8499949 (cited by OMIM); PubMed 21358634 (cited by OMIM).